The following is an entry in ClinVar:

NM_018947.6(CYCS):c.155C>T (p.Ala52Val)

Gene: CYCS (cytochrome c, somatic; minus strand). Cytogenetic location: 7p15.3.
Variant type: single nucleotide variant.
Coding change: c.155C>T on transcript NM_018947.6 (MANE Select); coding-DNA position 155, C replaced by T.
Protein change: p.Ala52Val; replaces alanine 52 with valine.
Molecular consequence: missense variant.
Genome position (GRCh38, 1-based): chr7:25,123,965, G>A on the plus strand (C>T on the coding strand, the complement: CYCS is on the minus strand). VCF-style: chr7-25123965-G-A. GRCh37 (hg19) VCF-style: chr7-25163584-G-A.
Other names: p.Ala52Val; short protein forms A52V.
Identifiers: ClinVar variation 988874 (VCV000988874.2), dbSNP rs1783401850, ClinGen allele CA367060325.

ClinVar aggregate classification (germline): Uncertain significance. Review status: criteria provided, single submitter (1 of 4 stars). 2 submissions from 2 submitters: Uncertain significance (1). 1 of the submissions does not count toward it. Last evaluated 2025-01-17.

Conditions:
Abnormal bleeding. Also called: Bleeding diathesis. Identifiers: MedGen C1458140, HP:0001892.
Thrombocytopenia. Identifiers: MedGen C0040034, MeSH D013921, MONDO:0002049, HP:0001873.

Submissions (2):

Mayo Clinic Laboratories, Mayo Clinic
Classification: Uncertain significance. Last evaluated: 2025-01-17. Review status: criteria provided, single submitter. Criteria: ACMG Guidelines, 2015. Collection method: clinical testing. Allele origin: germline. Observed: 1 variant allele.
Comment: PM2_supporting

Birmingham Platelet Group; University of Birmingham
Classification: Likely pathogenic for Thrombocytopenia; Abnormal bleeding. Last evaluated: 2020-05-01. Review status: no assertion criteria provided. Collection method: research. Allele origin: germline. Affected: yes. Not counted in ClinVar's aggregate classification.

Literature cited by the submitters: PubMed 27479822 (cited by Mayo Clinic Laboratories, Mayo Clinic); PubMed 30349881 (cited by Mayo Clinic Laboratories, Mayo Clinic); PubMed 30452302 (cited by Mayo Clinic Laboratories, Mayo Clinic); PubMed 35126455 (cited by Mayo Clinic Laboratories, Mayo Clinic).